The following is an entry in ClinVar:

ClinVar aggregate classification (germline): Uncertain significance (0 of 4 stars; one submission).

Allele frequency attached by ClinVar (database versions not stated): gnomAD exomes below 0.00001.
gnomAD v4.1: 3 of 1,613,898 alleles (0.00019%); highest among the groups gnomAD compares: Non-Finnish European, 0.00025%; no homozygotes.

Submission:

Department of Pathology and Laboratory Medicine, Sinai Health System
Classification: Uncertain significance. Review status: no assertion criteria provided. Collection method: clinical testing. Allele origin: unknown. Affected: yes. Study: The Canadian Open Genetics Repository (COGR).
Comment: The MTOR p.Thr408Thr variant was not identified in the literature nor was it identified in dbSNP, ClinVar, LOVD 3.0 or in the following control databases: the 1000 Genomes Project, the NHLBI GO Exome Sequencing Project, or the Genome Aggregation Database (March 6, 2019, v2.1.1). The p.Thr408Thr variant occurs in the second last base of the exon; this position has been shown to be part of the splicing consensus sequence and variants involving this position sometimes affect splicing. In addition, 4 of 4 in silico or computational prediction software programs (SpliceSiteFinder, MaxEntScan, NNSPLICE, GeneSplicer) predict a greater than 10% difference in splicing, specifically reduced 3â€šÃ„Ã´ splicing activity. However, this has not been confirmed by RNA analysis. In summary, based on the above information the clinical significance of this variant cannot be determined with certainty at this time. This variant is classified as a variant of uncertain significance.

NM_004958.4(MTOR):c.1224A>T (p.Thr408=)

Gene: MTOR (mechanistic target of rapamycin kinase; minus strand). Cytogenetic location: 1p36.22.
Variant type: single nucleotide variant.
Coding change: c.1224A>T on transcript NM_004958.4 (MANE Select); coding-DNA position 1224, A replaced by T.
Protein change: p.Thr408=; no amino-acid change (threonine 408 retained).
Molecular consequence: synonymous variant. On other transcripts: intron variant (1).
Genome position (GRCh38, 1-based): chr1:11,247,626, T>A on the plus strand (A>T on the coding strand, the complement: MTOR is on the minus strand). VCF-style: chr1-11247626-T-A. GRCh37 (hg19) VCF-style: chr1-11307683-T-A.
Other names: c.1224A>T, p.Thr408= (NM_001386500.1); c.-24+193A>T (NM_001386501.1).
Identifiers: ClinVar variation 1049132 (VCV001049132.1), dbSNP rs2100938792, ClinGen allele CA416041723.